The following is an entry in ClinVar:

NM_016604.4(KDM3B):c.3715G>A (p.Glu1239Lys)

Gene: KDM3B (lysine demethylase 3B; plus strand). Cytogenetic location: 5q31.2.
Variant type: single nucleotide variant.
Coding change: c.3715G>A on transcript NM_016604.4 (MANE Select); coding-DNA position 3715, G replaced by A.
Protein change: p.Glu1239Lys; replaces glutamic acid 1239 with lysine.
Molecular consequence: missense variant.
Genome position (GRCh38, 1-based): chr5:138,419,232, G>A. VCF-style: chr5-138419232-G-A. GRCh37 (hg19) VCF-style: chr5-137754921-G-A.
Other names: short protein forms E1239K.
Identifiers: ClinVar variation 3603309 (VCV003603309.1).

ClinVar aggregate classification (germline): Uncertain significance (1 of 4 stars; one submission).

Conditions:
Diets-Jongmans syndrome. Also called: INTELLECTUAL DEVELOPMENTAL DISORDER WITH DISTINCTIVE FACIAL DYSMORPHISM. Identifiers: MedGen C5394263, MONDO:0030012, OMIM 618846.

gnomAD v4.1: 2 of 1,612,374 alleles (0.00012%); highest among the groups gnomAD compares: South Asian, 0.0011%; no homozygotes.

Submission:

Neuberg Centre For Genomic Medicine, NCGM
Classification: Uncertain significance for Diets-Jongmans syndrome. Review status: criteria provided, single submitter. Criteria: ACMG Guidelines, 2015. Collection method: clinical testing. Allele origin: germline. Inheritance: Autosomal dominant inheritance. Affected: yes.
Comment: The missense c.3715G>A (p.Glu1239Lys) variant in KDM3B gene has not been reported previously as a pathogenic variant nor as a benign variant, to our knowledge. The p.Glu1239Lys variant is present with allele frequency of 0.0004% in gnomAD Exomes. This variant has not been submitted to the ClinVar database. Multiple lines of computational evidence (Polyphen - Benign, SIFT - Damaging and MutationTaster - Disease causing) predicts conflicting evidence on protein structure and function for this variant. The reference amino acid at this position on KDM3B gene is predicted as conserved by GERP++ and PhyloP across 100 vertebrates. The amino acid Glu at position 1239 is changed to a Lys changing protein sequence and it might alter its composition and physico-chemical properties. For these reasons, this variant has been classified as Variant of Uncertain Significance (VUS).